The following is an entry in ClinVar:

ClinVar aggregate classification (germline): Uncertain significance. Review status: criteria provided, multiple submitters, no conflicts (2 of 4 stars). 3 submissions from 3 submitters: Uncertain significance (3). Last evaluated 2025-10-18.

Conditions:
Inborn genetic diseases. Identifiers: MedGen C0950123, MeSH D030342.

Submissions (3):

Ambry Genetics
Classification: Uncertain significance for Inborn genetic diseases. Last evaluated: 2025-10-18. Review status: criteria provided, single submitter. Criteria: Ambry Variant Classification Scheme 2023. Collection method: clinical testing. Allele origin: germline.

GeneDx
Classification: Uncertain significance. Last evaluated: 2025-06-25. Review status: criteria provided, single submitter. Criteria: GeneDx Variant Classification Process June 2021. Collection method: clinical testing. Allele origin: germline. Affected: yes.
Comment: Not observed in large population cohorts (gnomAD); In silico analysis supports that this missense variant has a deleterious effect on protein structure/function; Has not been previously published as pathogenic or benign to our knowledge

Labcorp Genetics (formerly Invitae), Labcorp
Classification: Uncertain significance. Last evaluated: 2024-01-08. Review status: criteria provided, single submitter. Criteria: Invitae Variant Classification Sherloc (09022015). Collection method: clinical testing. Allele origin: germline.
Comment: This sequence change replaces phenylalanine, which is neutral and non-polar, with isoleucine, which is neutral and non-polar, at codon 1522 of the SCN3A protein (p.Phe1522Ile). This variant is not present in population databases (gnomAD no frequency). This variant has not been reported in the literature in individuals affected with SCN3A-related conditions. ClinVar contains an entry for this variant (Variation ID: 1878803). Advanced modeling of protein sequence and biophysical properties (such as structural, functional, and spatial information, amino acid conservation, physicochemical variation, residue mobility, and thermodynamic stability) performed at Invitae indicates that this missense variant is not expected to disrupt SCN3A protein function with a negative predictive value of 95%. In summary, the available evidence is currently insufficient to determine the role of this variant in disease. Therefore, it has been classified as a Variant of Uncertain Significance.

NM_006922.4(SCN3A):c.4564T>A (p.Phe1522Ile)

Gene: SCN3A (sodium voltage-gated channel alpha subunit 3; minus strand). Cytogenetic location: 2q24.3.
Variant type: single nucleotide variant.
Coding change: c.4564T>A on transcript NM_006922.4 (MANE Select); coding-DNA position 4564, T replaced by A.
Protein change: p.Phe1522Ile; replaces phenylalanine 1522 with isoleucine.
Molecular consequence: missense variant.
Genome position (GRCh38, 1-based): chr2:165,092,497, A>T on the plus strand (T>A on the coding strand, the complement: SCN3A is on the minus strand). VCF-style: chr2-165092497-A-T. GRCh37 (hg19) VCF-style: chr2-165949007-A-T.
Other names: c.4417T>A, p.Phe1473Ile (NM_001081676.2, NM_001081677.2); short protein forms F1473I, F1522I.
Identifiers: ClinVar variation 1878803 (VCV001878803.6), dbSNP rs2468047983, ClinGen allele CA349019363.